The following is an entry in ClinVar:

ClinVar aggregate classification (germline): Uncertain significance (1 of 4 stars; one submission).

Allele frequency attached by ClinVar (database versions not stated): gnomAD 0.00001; TOPMed 0.00001; gnomAD exomes below 0.00001.
gnomAD v4.1: 4 of 1,613,702 alleles (0.00025%); highest among the groups gnomAD compares: African/African-American, 0.0013%; no homozygotes.

Submission:

Labcorp Genetics (formerly Invitae), Labcorp
Classification: Uncertain significance. Last evaluated: 2025-09-03. Review status: criteria provided, single submitter. Criteria: Invitae Variant Classification Sherloc (09022015). Collection method: clinical testing. Allele origin: germline.
Comment: This sequence change replaces lysine, which is basic and polar, with glutamic acid, which is acidic and polar, at codon 737 of the RASGRP1 protein (p.Lys737Glu). This variant is present in population databases (no rsID available, gnomAD 0.01%). This variant has not been reported in the literature in individuals affected with RASGRP1-related conditions. ClinVar contains an entry for this variant (Variation ID: 1942697). An algorithm developed to predict the effect of missense changes on protein structure and function (PolyPhen-2) suggests that this variant is likely to be tolerated. In summary, the available evidence is currently insufficient to determine the role of this variant in disease. Therefore, it has been classified as a Variant of Uncertain Significance.

NM_005739.4(RASGRP1):c.2209A>G (p.Lys737Glu)

Gene: RASGRP1 (RAS guanyl releasing protein 1; minus strand). Cytogenetic location: 15q14.
Variant type: single nucleotide variant.
Coding change: c.2209A>G on transcript NM_005739.4 (MANE Select); coding-DNA position 2209, A replaced by G.
Protein change: p.Lys737Glu; replaces lysine 737 with glutamic acid.
Molecular consequence: missense variant. On other transcripts: intron variant (1).
Genome position (GRCh38, 1-based): chr15:38,494,432, T>C on the plus strand (A>G on the coding strand, the complement: RASGRP1 is on the minus strand). VCF-style: chr15-38494432-T-C. GRCh37 (hg19) VCF-style: chr15-38786633-T-C.
Other names: c.2104A>G, p.Lys702Glu (NM_001128602.2); c.1769-3744A>G (NM_001306086.2); short protein forms K737E, K702E.
Identifiers: ClinVar variation 1942697 (VCV001942697.4), dbSNP rs946990679, ClinGen allele CA268729228.